The following is an entry in ClinVar:

NM_015896.4(ZMYND10):c.53G>T (p.Gly18Val)

Gene: ZMYND10 (zinc finger MYND-type containing 10; minus strand). Cytogenetic location: 3p21.31.
Variant type: single nucleotide variant.
Coding change: c.53G>T on transcript NM_015896.4 (MANE Select); coding-DNA position 53, G replaced by T.
Protein change: p.Gly18Val; replaces glycine 18 with valine.
Molecular consequence: missense variant.
Genome position (GRCh38, 1-based): chr3:50,345,527, C>A on the plus strand (G>T on the coding strand, the complement: ZMYND10 is on the minus strand). VCF-style: chr3-50345527-C-A. GRCh37 (hg19) VCF-style: chr3-50382958-C-A.
Other names: c.53G>T, p.Gly18Val (NM_001308379.2); short protein forms G18V.
Identifiers: ClinVar variation 1425449 (VCV001425449.8), dbSNP rs1703518565, ClinGen allele CA352946048.

ClinVar aggregate classification (germline): Uncertain significance (1 of 4 stars; one submission).

Conditions:
Primary ciliary dyskinesia. Also called: Ciliary dyskinesia. Identifiers: Orphanet 244, MedGen C0008780, MONDO:0016575, HP:0012265.

gnomAD v4.1: 2 of 1,609,826 alleles (0.00012%); highest among the groups gnomAD compares: Non-Finnish European, 0.00017%; no homozygotes.

Submission:

Labcorp Genetics (formerly Invitae), Labcorp
Classification: Uncertain significance for Primary ciliary dyskinesia. Last evaluated: 2020-11-24. Review status: criteria provided, single submitter. Criteria: Invitae Variant Classification Sherloc (09022015). Collection method: clinical testing. Allele origin: germline.
Comment: This variant is not present in population databases (ExAC no frequency). This sequence change replaces glycine with valine at codon 18 of the ZMYND10 protein (p.Gly18Val). The glycine residue is weakly conserved and there is a moderate physicochemical difference between glycine and valine. This variant has not been reported in the literature in individuals with ZMYND10-related conditions. In summary, the available evidence is currently insufficient to determine the role of this variant in disease. Therefore, it has been classified as a Variant of Uncertain Significance. Algorithms developed to predict the effect of missense changes on protein structure and function (SIFT, PolyPhen-2, Align-GVGD) all suggest that this variant is likely to be tolerated, but these predictions have not been confirmed by published functional studies and their clinical significance is uncertain.